The following is an entry in ClinVar:

NM_003738.5(PTCH2):c.2205_2206dup (p.Leu736fs)

Gene: PTCH2 (patched 2; minus strand). Cytogenetic location: 1p34.1.
Variant type: Duplication.
Coding change: c.2205_2206dup on transcript NM_003738.5 (MANE Select); coding-DNA positions 2205 to 2206, 2 bases duplicated (CC; older notation c.2205_2206dupCC).
Protein change: p.Leu736fs; shifts the reading frame from leucine 736.
Molecular consequence: frameshift variant.
Genome position (GRCh38, 1-based): chr1:44,827,567-44,827,568, GG duplicated on the plus strand (CC on the coding strand, the reverse complement: PTCH2 is on the minus strand); duplicating any 2 consecutive bases within chr1:44,827,567-44,827,569 gives the same sequence; the c. name uses the placement nearest the transcript's 3' end. VCF-style (leftmost placement, unchanged base first): chr1-44827566-A-AGG. GRCh37 (hg19) VCF-style: chr1-45293238-A-AGG.
Other names: c.2205_2206dup, p.Leu736fs (NM_001166292.2); short protein forms L736fs.
Identifiers: ClinVar variation 3692525 (VCV003692525.2).

ClinVar aggregate classification (germline): Uncertain significance (1 of 4 stars; one submission).

Conditions:
Gorlin syndrome. Also called: Basal cell nevus syndrome; Nevoid Basal Cell Carcinoma Syndrome. Identifiers: Orphanet 377, MedGen C0004779, MONDO:0007187.

Submission:

Labcorp Genetics (formerly Invitae), Labcorp
Classification: Uncertain significance for Gorlin syndrome. Last evaluated: 2024-09-18. Review status: criteria provided, single submitter. Criteria: Invitae Variant Classification Sherloc (09022015). Collection method: clinical testing. Allele origin: germline.
Comment: This sequence change creates a premature translational stop signal (p.Leu736Profs*8) in the PTCH2 gene. It is expected to result in an absent or disrupted protein product. However, the current clinical and genetic evidence is not sufficient to establish whether loss-of-function variants in PTCH2 cause disease. This variant is present in population databases (no rsID available, gnomAD 0.006%). This variant has not been reported in the literature in individuals affected with PTCH2-related conditions. Algorithms developed to predict the effect of sequence changes on RNA splicing suggest that this variant may create or strengthen a splice site. In summary, the available evidence is currently insufficient to determine the role of this variant in disease. Therefore, it has been classified as a Variant of Uncertain Significance.